The following is an entry in ClinVar:

NM_001018115.3(FANCD2):c.2276C>T (p.Pro759Leu)

Genes: FANCD2 (FA complementation group D2; plus strand), LOC107303338 (3p25 FANCD2 Alu-mediated recombination region; plus strand). Cytogenetic location: 3p25.3.
Variant type: single nucleotide variant.
Coding change: c.2276C>T on transcript NM_001018115.3 (MANE Select); coding-DNA position 2276, C replaced by T.
Protein change: p.Pro759Leu; replaces proline 759 with leucine.
Molecular consequence: missense variant.
Genome position (GRCh38, 1-based): chr3:10,065,870, C>T. VCF-style: chr3-10065870-C-T. GRCh37 (hg19) VCF-style: chr3-10107554-C-T.
Other names: c.2276C>T, p.Pro759Leu (NM_001319984.2, NM_001374254.1, NM_033084.6); c.2165C>T, p.Pro722Leu (NM_001374253.1); short protein forms P722L, P759L.
Identifiers: ClinVar variation 902058 (VCV000902058.9), dbSNP rs758628578, ClinGen allele CA2250031.

ClinVar aggregate classification (germline): Uncertain significance. Review status: criteria provided, multiple submitters, no conflicts (2 of 4 stars). 4 submissions from 4 submitters: Uncertain significance (4). Last evaluated 2024-08-29.

Conditions:
Fanconi anemia complementation group D2. Also called: FANCD2-Related Fanconi Anemia; FANCONI PANCYTOPENIA, TYPE 4; FANCONI ANEMIA, COMPLEMENTATION GROUP D. Identifiers: Orphanet 84, MedGen C3160738, MONDO:0009214, OMIM 227646.
Fanconi anemia (FA). Also called: Fanconi's anemia. Identifiers: Orphanet 84, MedGen C0015625, MeSH D005199, MONDO:0019391.

Allele frequency attached by ClinVar (database versions not stated): gnomAD exomes below 0.00001; ExAC 0.00001; TOPMed 0.00002.

Submissions (4):

Labcorp Genetics (formerly Invitae), Labcorp
Classification: Uncertain significance for Fanconi anemia. Last evaluated: 2024-08-29. Review status: criteria provided, single submitter. Criteria: Invitae Variant Classification Sherloc (09022015). Collection method: clinical testing. Allele origin: germline.
Comment: This sequence change replaces proline, which is neutral and non-polar, with leucine, which is neutral and non-polar, at codon 759 of the FANCD2 protein (p.Pro759Leu). This variant is present in population databases (rs758628578, gnomAD 0.007%). This variant has not been reported in the literature in individuals affected with FANCD2-related conditions. ClinVar contains an entry for this variant (Variation ID: 902058). Invitae Evidence Modeling of protein sequence and biophysical properties (such as structural, functional, and spatial information, amino acid conservation, physicochemical variation, residue mobility, and thermodynamic stability) indicates that this missense variant is expected to disrupt FANCD2 protein function with a positive predictive value of 80%. In summary, the available evidence is currently insufficient to determine the role of this variant in disease. Therefore, it has been classified as a Variant of Uncertain Significance.

Fulgent Genetics
Classification: Uncertain significance for Fanconi anemia complementation group D2. Last evaluated: 2021-10-19. Review status: criteria provided, single submitter. Criteria: ACMG Guidelines, 2015. Collection method: clinical testing. Allele origin: unknown.

Genetic Services Laboratory, University of Chicago
Classification: Uncertain significance. Last evaluated: 2021-04-16. Review status: criteria provided, single submitter. Criteria: ACMG Guidelines, 2015. Collection method: clinical testing. Allele origin: germline. Affected: no.
Comment: DNA sequence analysis of the FANCD2 gene demonstrated a sequence change, c.2276C>T, in exon 25 that results in an amino acid change, p.Pro759Leu. This sequence change has been described in gnomAD with a population frequency of 0.0016% in the Non-Finnish European sub-population (dbSNP rs758628578). The p.Pro759Leu change affects a moderately conserved amino acid residue located in a domain of the FANCD2 protein that is not known to be functional. In-silico pathogenicity prediction tools (SIFT, PolyPhen2, Align GVGD, REVEL) provide contradictory results for the p.Pro759Leu substitution. This sequence change does not appear to have been previously described in patients with FANCD2-related disorders. Due to the lack of sufficient evidences, the clinical significance of the p.Pro759Leu change remains unknown at this time.

Illumina Laboratory Services, Illumina
Classification: Uncertain significance for Fanconi anemia complementation group D2. Last evaluated: 2018-01-13. Review status: criteria provided, single submitter. Criteria: ICSL Variant Classification Criteria 13 December 2019. Collection method: clinical testing. Allele origin: germline.